The following is an entry in ClinVar:

NM_004752.4(GCM2):c.477T>C (p.His159=)

Gene: GCM2 (glial cells missing transcription factor 2; minus strand). Cytogenetic location: 6p24.2.
Variant type: single nucleotide variant.
Coding change: c.477T>C on transcript NM_004752.4 (MANE Select); coding-DNA position 477, T replaced by C.
Protein change: p.His159=; no amino-acid change (histidine 159 retained).
Molecular consequence: synonymous variant.
Genome position (GRCh38, 1-based): chr6:10,875,996, A>G on the plus strand (T>C on the coding strand, the complement: GCM2 is on the minus strand). VCF-style: chr6-10875996-A-G. GRCh37 (hg19) VCF-style: chr6-10876229-A-G.
Identifiers: ClinVar variation 64538 (VCV000064538.2), dbSNP rs387907431, ClinGen allele CA216361.
Genomic context (GRCh38, chr6:10,875,996, plus strand): 5'-CATTTGTCTCTTGATGGCGCTTCTTCTAGCTTCTGTCTCTGATTTGCTCTCTGGTCTTGG[A>G]TGATCATGAACTCCCTTGGCCTGCGATAACGAGAAAATGAATCATACATTTGTGCCTCTA-3'
Protein context (NP_004743.1, residues 149-169): IFFQAKGVHD[His159=]PRPESKSETE

ClinVar aggregate classification (germline): Uncertain significance (0 of 4 stars; one submission).

Allele frequency attached by ClinVar (database versions not stated): ExAC 0.00001; gnomAD 0.00001; TOPMed 0.00001; gnomAD exomes 0.00001 and 0.00003.
gnomAD v4.1: 44 of 1,613,856 alleles (0.0027%); highest among the groups gnomAD compares: Non-Finnish European, 0.0036%; no homozygotes.

Submission:

Martin Pollak Laboratory,  Beth Israel Deaconess Medical Center
Classification: Uncertain significance. Review status: no assertion criteria provided. Collection method: not provided. Allele origin: unknown.
Comment: Lower UCa2+ group
ClinVar note: Converted during submission from unknown to Uncertain significance.